The following is an entry in ClinVar:

NM_003738.5(PTCH2):c.1284C>T (p.Ala428=)

Gene: PTCH2 (patched 2; minus strand). Cytogenetic location: 1p34.1.
Variant type: single nucleotide variant.
Coding change: c.1284C>T on transcript NM_003738.5 (MANE Select); coding-DNA position 1284, C replaced by T.
Protein change: p.Ala428=; no amino-acid change (alanine 428 retained).
Molecular consequence: synonymous variant.
Genome position (GRCh38, 1-based): chr1:44,829,244, G>A on the plus strand (C>T on the coding strand, the complement: PTCH2 is on the minus strand). VCF-style: chr1-44829244-G-A. GRCh37 (hg19) VCF-style: chr1-45294916-G-A.
Other names: c.1284C>T, p.Ala428= (NM_001166292.2).
Identifiers: ClinVar variation 524601 (VCV000524601.30), dbSNP rs200293188, ClinGen allele CA823362.

ClinVar aggregate classification (germline): Likely benign. Review status: criteria provided, multiple submitters, no conflicts (2 of 4 stars). 4 submissions from 4 submitters: Likely benign (3). 1 of the submissions does not count toward it. Last evaluated 2025-11-10.

Conditions:
Gorlin syndrome. Also called: Nevoid Basal Cell Carcinoma Syndrome; Basal cell nevus syndrome. Identifiers: Orphanet 377, MedGen C0004779, MONDO:0007187.
PTCH2-related disorder. Also called: PTCH2-related condition; PTCH2-related disease.

Allele frequency attached by ClinVar (database versions not stated): TOPMed 0.00009; gnomAD 0.00010 and 0.00012; gnomAD exomes 0.00012 and 0.00023; ESP Exome Variant Server 0.00015; ExAC 0.00017; 1000 Genomes Project 30x 0.00047; 1000 Genomes Project 0.00060.
gnomAD v4.1: 350 of 1,613,526 alleles (0.022%); highest among the groups gnomAD compares: Non-Finnish European, 0.028%; no homozygotes.

Submissions (4):

Labcorp Genetics (formerly Invitae), Labcorp
Classification: Likely benign for Gorlin syndrome. Last evaluated: 2025-11-10. Review status: criteria provided, single submitter. Criteria: Invitae Variant Classification Sherloc (09022015). Collection method: clinical testing. Allele origin: germline.

CeGaT Center for Human Genetics Tuebingen
Classification: Likely benign. Last evaluated: 2025-10-01. Review status: criteria provided, single submitter. Criteria: CeGaT Center For Human Genetics Tuebingen Variant Classification Criteria Version 2. Collection method: clinical testing. Allele origin: germline. Affected: yes. Observed: 2 variant alleles.
Comment: PTCH2: BP4, BP7

Blueprint Genetics
Classification: Likely benign. Last evaluated: 2024-10-04. Review status: criteria provided, single submitter. Criteria: ACMG Guidelines, 2015. Collection method: clinical testing. Allele origin: germline.

PreventionGenetics, part of Exact Sciences
Classification: Likely benign for PTCH2-related condition. Last evaluated: 2020-01-27. Review status: no assertion criteria provided. Collection method: clinical testing. Allele origin: germline. Not counted in ClinVar's aggregate classification.
Comment: This variant is classified as likely benign based on ACMG/AMP sequence variant interpretation guidelines (Richards et al. 2015 PMID: 25741868, with internal and published modifications).